The following is an entry in ClinVar:

NM_032578.4(MYPN):c.518T>A (p.Ile173Asn)

Gene: MYPN (myopalladin; plus strand). Cytogenetic location: 10q21.3.
Variant type: single nucleotide variant.
Coding change: c.518T>A on transcript NM_032578.4 (MANE Select); coding-DNA position 518, T replaced by A.
Protein change: p.Ile173Asn; replaces isoleucine 173 with asparagine.
Molecular consequence: missense variant. On other transcripts: 5 prime UTR variant (1), non-coding transcript variant (1).
Genome position (GRCh38, 1-based): chr10:68,121,956, T>A. VCF-style: chr10-68121956-T-A. GRCh37 (hg19) VCF-style: chr10-69881713-T-A.
Other names: c.518T>A, p.Ile173Asn (NM_001256267.2); c.-605T>A (NM_001256268.2); c.518T>A (NM_032578.3, NM_032578.2); short protein forms I173N.
Identifiers: ClinVar variation 1506802 (VCV001506802.7), dbSNP rs2042249791, ClinGen allele CA377104530.

ClinVar aggregate classification (germline): Uncertain significance. Review status: criteria provided, multiple submitters, no conflicts (2 of 4 stars). 3 submissions from 3 submitters: Uncertain significance (3). Last evaluated 2025-12-04.

Conditions:
Cardiovascular phenotype. Identifiers: MedGen CN230736.
Dilated cardiomyopathy 1KK (CMD1KK). Identifiers: Orphanet 154, Orphanet 75249, MedGen C3714995, MONDO:0014100, OMIM 615248.
MYPN-related disorder. Also called: MYPN-related condition.

Allele frequency attached by ClinVar (database versions not stated): gnomAD exomes below 0.00001; TOPMed below 0.00001.
gnomAD v4.1: 3 of 1,614,200 alleles (0.00019%); highest among the groups gnomAD compares: Non-Finnish European, 0.00025%; no homozygotes.

Submissions (3):

PreventionGenetics, part of Exact Sciences
Classification: Uncertain significance for MYPN-related condition. Last evaluated: 2025-12-04. Review status: criteria provided, single submitter. Criteria: ACMG Guidelines, 2015. Collection method: clinical testing. Allele origin: germline.
Comment: The MYPN c.518T>A variant is predicted to result in the amino acid substitution p.Ile173Asn. To our knowledge, this variant has not been reported in the literature or in a large population database (gnomAD), indicating this variant is rare. At this time, the clinical significance of this variant is uncertain due to the absence of conclusive functional and genetic evidence.

Ambry Genetics
Classification: Uncertain significance for Cardiovascular phenotype. Last evaluated: 2023-07-18. Review status: criteria provided, single submitter. Criteria: Ambry Variant Classification Scheme 2023. Collection method: clinical testing. Allele origin: germline.
Comment: The p.I173N variant (also known as c.518T>A), located in coding exon 1 of the MYPN gene, results from a T to A substitution at nucleotide position 518. The isoleucine at codon 173 is replaced by asparagine, an amino acid with dissimilar properties. This amino acid position is highly conserved in available vertebrate species. In addition, the in silico prediction for this alteration is inconclusive. Since supporting evidence is limited at this time, the clinical significance of this alteration remains unclear.

Labcorp Genetics (formerly Invitae), Labcorp
Classification: Uncertain significance for Dilated cardiomyopathy 1KK. Last evaluated: 2021-08-20. Review status: criteria provided, single submitter. Criteria: Invitae Variant Classification Sherloc (09022015). Collection method: clinical testing. Allele origin: germline.
Comment: This sequence change replaces isoleucine with asparagine at codon 173 of the MYPN protein (p.Ile173Asn). The isoleucine residue is moderately conserved and there is a large physicochemical difference between isoleucine and asparagine. This variant is not present in population databases (ExAC no frequency). This variant has not been reported in the literature in individuals affected with MYPN-related conditions. Algorithms developed to predict the effect of missense changes on protein structure and function (SIFT, PolyPhen-2, Align-GVGD) all suggest that this variant is likely to be disruptive. In summary, the available evidence is currently insufficient to determine the role of this variant in disease. Therefore, it has been classified as a Variant of Uncertain Significance.